The following is an entry in ClinVar:

ClinVar aggregate classification (germline): Uncertain significance. Review status: criteria provided, multiple submitters, no conflicts (2 of 4 stars). 2 submissions from 2 submitters: Uncertain significance (2). Last evaluated 2020-11-06.

Conditions:
Mucopolysaccharidosis, MPS-III-C (MPS3C). Also called: MPS IIIC (Sanfilippo Syndrome Type C); MUCOPOLYSACCHARIDOSIS, TYPE IIIC; Mucopolysaccharidosis type IIIC (Sanfilippo C); mucopolysaccharidosis type 3C; SANFILIPPO SYNDROME C; MPS III C. Identifiers: Orphanet 581, Orphanet 79271, MedGen C0086649, MONDO:0009657, OMIM 252930.
Retinitis pigmentosa 73 (RP73). Identifiers: Orphanet 791, MedGen C4225287, MONDO:0014687, OMIM 616544.

Submissions (2):

Blueprint Genetics
Classification: Uncertain significance. Last evaluated: 2020-11-06. Review status: criteria provided, single submitter. Criteria: ACMG Guidelines, 2015. Collection method: clinical testing. Allele origin: germline.

Labcorp Genetics (formerly Invitae), Labcorp
Classification: Uncertain significance for Retinitis pigmentosa 73; Mucopolysaccharidosis, MPS-III-C. Last evaluated: 2020-08-18. Review status: criteria provided, single submitter. Criteria: Invitae Variant Classification Sherloc (09022015). Collection method: clinical testing. Allele origin: germline.
Comment: In summary, the available evidence is currently insufficient to determine the role of this variant in disease. Therefore, it has been classified as a Variant of Uncertain Significance. Advanced modeling of protein sequence and biophysical properties (such as structural, functional, and spatial information, amino acid conservation, physicochemical variation, residue mobility, and thermodynamic stability) performed at Invitae indicates that this missense variant is expected to disrupt HGSNAT protein function. This variant has not been reported in the literature in individuals with HGSNAT-related conditions. This variant is not present in population databases (ExAC no frequency). This sequence change replaces alanine with glycine at codon 439 of the HGSNAT protein (p.Ala439Gly). The alanine residue is highly conserved and there is a small physicochemical difference between alanine and glycine.

NM_152419.3(HGSNAT):c.1316C>G (p.Ala439Gly)

Gene: HGSNAT (heparan-alpha-glucosaminide N-acetyltransferase; plus strand). Cytogenetic location: 8p11.21.
Variant type: single nucleotide variant.
Coding change: c.1316C>G on transcript NM_152419.3 (MANE Select); coding-DNA position 1316, C replaced by G.
Protein change: p.Ala439Gly; replaces alanine 439 with glycine.
Molecular consequence: missense variant.
Genome position (GRCh38, 1-based): chr8:43,192,369, C>G. VCF-style: chr8-43192369-C-G. GRCh37 (hg19) VCF-style: chr8-43047512-C-G.
Other names: c.1316C>G, p.Ala439Gly (NM_001363227.2); c.1124C>G, p.Ala375Gly (NM_001363228.2); c.452C>G, p.Ala151Gly (NM_001363229.2); short protein forms A151G, A375G, A439G.
Identifiers: ClinVar variation 1006861 (VCV001006861.6), dbSNP rs1804567846, ClinGen allele CA371119671.